The following is an entry in ClinVar:

ClinVar aggregate classification (germline): Uncertain significance (1 of 4 stars; one submission).

Submission:

Labcorp Genetics (formerly Invitae), Labcorp
Classification: Uncertain significance. Last evaluated: 2024-05-06. Review status: criteria provided, single submitter. Criteria: Invitae Variant Classification Sherloc (09022015). Collection method: clinical testing. Allele origin: germline.
Comment: This sequence change replaces valine, which is neutral and non-polar, with leucine, which is neutral and non-polar, at codon 373 of the CACNA1D protein (p.Val373Leu). This variant is not present in population databases (gnomAD no frequency). This variant has not been reported in the literature in individuals affected with CACNA1D-related conditions. ClinVar contains an entry for this variant (Variation ID: 2039697). An algorithm developed to predict the effect of missense changes on protein structure and function (PolyPhen-2) suggests that this variant is likely to be tolerated. Algorithms developed to predict the effect of sequence changes on RNA splicing suggest that this variant may disrupt the consensus splice site. In summary, the available evidence is currently insufficient to determine the role of this variant in disease. Therefore, it has been classified as a Variant of Uncertain Significance.

NM_000720.4(CACNA1D):c.1117G>T (p.Val373Leu)

Gene: CACNA1D (calcium voltage-gated channel subunit alpha1 D; plus strand). Cytogenetic location: 3p21.1.
Variant type: single nucleotide variant.
Coding change: c.1117G>T on transcript NM_000720.4 (MANE Plus Clinical); coding-DNA position 1117, G replaced by T.
Protein change: p.Val373Leu; replaces valine 373 with leucine.
Molecular consequence: missense variant. On other transcripts: intron variant (2).
Genome position (GRCh38, 1-based): chr3:53,673,713, G>T. VCF-style: chr3-53673713-G-T. GRCh37 (hg19) VCF-style: chr3-53707740-G-T.
Other names: c.1220+587G>T (NM_001128840.3, NM_001128839.3); short protein forms V373L.
Identifiers: ClinVar variation 2039697 (VCV002039697.4), dbSNP rs2473109411, ClinGen allele CA353383991.